The following is an entry in ClinVar:

ClinVar aggregate classification (germline): Uncertain significance (1 of 4 stars; one submission).

Submission:

CeGaT Center for Human Genetics Tuebingen
Classification: Uncertain significance. Last evaluated: 2022-07-01. Review status: criteria provided, single submitter. Criteria: CeGaT Center For Human Genetics Tuebingen Variant Classification Criteria Version 2. Collection method: clinical testing. Allele origin: germline. Affected: yes. Observed: 1 variant allele.
Comment: MAP2K2: PM2

NM_030662.4(MAP2K2):c.528+1dup

Gene: MAP2K2 (mitogen-activated protein kinase kinase 2; minus strand). Cytogenetic location: 19p13.3.
Variant type: Duplication.
Coding change: c.528+1dup on transcript NM_030662.4 (MANE Select); the canonical splice donor site of the intron after coding-DNA position 528, one base duplicated (G; older notation c.528+1dupG).
Molecular consequence: splice donor variant.
Genome position (GRCh38, 1-based): chr19:4,102,375, C duplicated on the plus strand (G on the coding strand, the reverse complement: MAP2K2 is on the minus strand); the first of 2 consecutive C bases (chr19:4,102,375-4,102,376); duplicating either gives the same sequence. VCF-style (leftmost placement, unchanged base first): chr19-4102374-A-AC. GRCh37 (hg19) VCF-style: chr19-4102372-A-AC.
Identifiers: ClinVar variation 2649028 (VCV002649028.24), dbSNP rs2512312216, ClinGen allele CA2695198109.